The following is an entry in ClinVar:

ClinVar aggregate classification (germline): Benign. Review status: criteria provided, single submitter (1 of 4 stars). 2 submissions from 1 submitter: Benign (2). Last evaluated 2018-01-13.

Conditions:
Craniometaphyseal dysplasia, autosomal dominant (CMDD). Identifiers: Orphanet 1522, MedGen C1852502, MONDO:0007397, OMIM 123000.
Chondrocalcinosis 2. Also called: CALCIUM GOUT; CALCIUM PYROPHOSPHATE ARTHROPATHY; Familial calcium pyrophosphate deposition. Identifiers: Orphanet 1416, MedGen C0856830, MONDO:0007319, OMIM 118600.

Allele frequency attached by ClinVar (database versions not stated): gnomAD 0.00372 and 0.00394; TOPMed 0.00391; 1000 Genomes Project 0.00499; 1000 Genomes Project 30x 0.00593.
gnomAD v4.1: 561 of 152,298 alleles (0.37%); highest among the groups gnomAD compares: African/African-American, 1.3%; 4 homozygotes.

Submissions (2):

Illumina Laboratory Services, Illumina
Classification: Benign for Chondrocalcinosis 2. Last evaluated: 2018-01-13. Review status: criteria provided, single submitter. Criteria: ICSL Variant Classification Criteria 13 December 2019. Collection method: clinical testing. Allele origin: germline.
Comment: This variant was observed in the ICSL laboratory as part of a predisposition screen in an ostensibly healthy population. It had not been previously curated by ICSL or reported in the Human Gene Mutation Database (HGMD: prior to June 1st, 2018), and was therefore a candidate for classification through an automated scoring system. Utilizing variant allele frequency, disease prevalence and penetrance estimates, and inheritance mode, an automated score was calculated to assess if this variant is too frequent to cause the disease. Based on the score and internal cut-off values, a variant classified as benign is not then subjected to further curation. The score for this variant resulted in a classification of benign for this disease.

Illumina Laboratory Services, Illumina
Classification: Benign for Craniometaphyseal dysplasia, autosomal dominant. Last evaluated: 2018-01-13. Review status: criteria provided, single submitter. Criteria: ICSL Variant Classification Criteria 13 December 2019. Collection method: clinical testing. Allele origin: germline.
Comment: the same text as in the submission from Illumina Laboratory Services, Illumina above.

NM_054027.6(ANKH):c.*1008C>G

Genes: ANKH (ANKH inorganic pyrophosphate transport regulator; minus strand), OTULIN (OTU deubiquitinase with linear linkage specificity; plus strand). Cytogenetic location: 5p15.2.
Variant type: single nucleotide variant.
Coding change: c.*1008C>G on transcript NM_054027.6 (MANE Select); 1008 bases downstream of the stop codon, C replaced by G.
Molecular consequence: 3 prime UTR variant.
Genome position (GRCh38, 1-based): chr5:14,710,189, G>C on the plus strand (C>G on the coding strand, the complement: ANKH is on the minus strand). VCF-style: chr5-14710189-G-C. GRCh37 (hg19) VCF-style: chr5-14710298-G-C.
Identifiers: ClinVar variation 351473 (VCV000351473.5), dbSNP rs143400303, ClinGen allele CA10620505.